The following is an entry in ClinVar:

ClinVar aggregate classification (germline): Uncertain significance (1 of 4 stars; one submission).

Submission:

Labcorp Genetics (formerly Invitae), Labcorp
Classification: Uncertain significance. Last evaluated: 2023-07-31. Review status: criteria provided, single submitter. Criteria: Invitae Variant Classification Sherloc (09022015). Collection method: clinical testing. Allele origin: germline.
Comment: In summary, the available evidence is currently insufficient to determine the role of this variant in disease. Therefore, it has been classified as a Variant of Uncertain Significance. Advanced modeling of protein sequence and biophysical properties (such as structural, functional, and spatial information, amino acid conservation, physicochemical variation, residue mobility, and thermodynamic stability) performed at Invitae indicates that this missense variant is not expected to disrupt FLNB protein function. This variant has not been reported in the literature in individuals affected with FLNB-related conditions. This variant is not present in population databases (gnomAD no frequency). This sequence change replaces isoleucine, which is neutral and non-polar, with methionine, which is neutral and non-polar, at codon 2452 of the FLNB protein (p.Ile2452Met).

NM_001457.4(FLNB):c.7356C>G (p.Ile2452Met)

Genes: FLNB (filamin B; plus strand), FLNB-AS1 (FLNB antisense RNA 1; minus strand). Cytogenetic location: 3p14.3.
Variant type: single nucleotide variant.
Coding change: c.7356C>G on transcript NM_001457.4 (MANE Select); coding-DNA position 7356, C replaced by G.
Protein change: p.Ile2452Met; replaces isoleucine 2452 with methionine.
Molecular consequence: missense variant.
Genome position (GRCh38, 1-based): chr3:58,168,597, C>G. VCF-style: chr3-58168597-C-G. GRCh37 (hg19) VCF-style: chr3-58154324-C-G.
Other names: c.7449C>G, p.Ile2483Met (NM_001164317.2); c.7323C>G, p.Ile2441Met (NM_001164318.2); c.7284C>G, p.Ile2428Met (NM_001164319.2); short protein forms I2428M, I2441M, I2452M, I2483M.
Identifiers: ClinVar variation 2748775 (VCV002748775.3), dbSNP rs2471272395, ClinGen allele CA353334934.